The following is an entry in ClinVar:

ClinVar aggregate classification (germline): Uncertain significance. Review status: criteria provided, multiple submitters, no conflicts (2 of 4 stars). 3 submissions from 3 submitters: Uncertain significance (3). Last evaluated 2025-07-10.

Conditions:
Prostate cancer, hereditary, 9 (HPC9). Identifiers: Orphanet 1331, MedGen C1970250, MONDO:0012597, OMIM 610997.
Hereditary cancer-predisposing syndrome. Also called: Neoplastic Syndromes, Hereditary; Tumor predisposition; Hereditary Cancer Syndrome; Hereditary neoplastic syndrome. Identifiers: Orphanet 140162, MedGen C0027672, MeSH D009386, MONDO:0015356.

Allele frequency attached by ClinVar (database versions not stated): gnomAD exomes below 0.00001.
gnomAD v4.1: 2 of 1,614,230 alleles (0.00012%); highest among the groups gnomAD compares: Non-Finnish European, 0.00017%; no homozygotes.

Submissions (3):

Ambry Genetics
Classification: Uncertain significance for Hereditary cancer-predisposing syndrome. Last evaluated: 2025-07-10. Review status: criteria provided, single submitter. Criteria: Ambry Variant Classification Scheme 2023. Collection method: clinical testing. Allele origin: germline.
Comment: The p.T151S variant (also known as c.452C>G), located in coding exon 1 of the HOXB13 gene, results from a C to G substitution at nucleotide position 452. The threonine at codon 151 is replaced by serine, an amino acid with similar properties. This amino acid position is highly conserved in available vertebrate species. In addition, the in silico prediction for this alteration is inconclusive. Since supporting evidence is limited at this time, the clinical significance of this alteration remains unclear.

Labcorp Genetics (formerly Invitae), Labcorp
Classification: Uncertain significance. Last evaluated: 2023-12-22. Review status: criteria provided, single submitter. Criteria: Invitae Variant Classification Sherloc (09022015). Collection method: clinical testing. Allele origin: germline.
Comment: This sequence change replaces threonine, which is neutral and polar, with serine, which is neutral and polar, at codon 151 of the HOXB13 protein (p.Thr151Ser). This variant is not present in population databases (gnomAD no frequency). This variant has not been reported in the literature in individuals affected with HOXB13-related conditions. ClinVar contains an entry for this variant (Variation ID: 483508). Advanced modeling of protein sequence and biophysical properties (such as structural, functional, and spatial information, amino acid conservation, physicochemical variation, residue mobility, and thermodynamic stability) performed at Invitae indicates that this missense variant is not expected to disrupt HOXB13 protein function with a negative predictive value of 80%. In summary, the available evidence is currently insufficient to determine the role of this variant in disease. Therefore, it has been classified as a Variant of Uncertain Significance.

Department of Pathology and Laboratory Medicine, Sinai Health System
Classification: Uncertain significance for Prostate cancer, hereditary, 9. Last evaluated: 2022-06-28. Review status: criteria provided, single submitter. Criteria: ACMG Guidelines, 2015. Collection method: clinical testing. Allele origin: germline. Affected: yes.

NM_006361.6(HOXB13):c.452C>G (p.Thr151Ser)

Gene: HOXB13 (homeobox B13; minus strand). Cytogenetic location: 17q21.32.
Variant type: single nucleotide variant.
Coding change: c.452C>G on transcript NM_006361.6 (MANE Select); coding-DNA position 452, C replaced by G.
Protein change: p.Thr151Ser; replaces threonine 151 with serine.
Molecular consequence: missense variant.
Genome position (GRCh38, 1-based): chr17:48,728,142, G>C on the plus strand (C>G on the coding strand, the complement: HOXB13 is on the minus strand). VCF-style: chr17-48728142-G-C. GRCh37 (hg19) VCF-style: chr17-46805504-G-C.
Other names: short protein forms T151S.
Identifiers: ClinVar variation 483508 (VCV000483508.15), dbSNP rs1555558604, ClinGen allele CA400107422.